The following is an entry in ClinVar:

NM_001165963.4(SCN1A):c.2385T>G (p.His795Gln)

Gene: SCN1A (sodium voltage-gated channel alpha subunit 1; minus strand). Cytogenetic location: 2q24.3.
Variant type: single nucleotide variant.
Coding change: c.2385T>G on transcript NM_001165963.4 (MANE Select); coding-DNA position 2385, T replaced by G.
Protein change: p.His795Gln; replaces histidine 795 with glutamine.
Molecular consequence: missense variant. On other transcripts: 5 prime UTR variant (1), non-coding transcript variant (1).
Genome position (GRCh38, 1-based): chr2:166,041,261, A>C on the plus strand (T>G on the coding strand, the complement: SCN1A is on the minus strand). VCF-style: chr2-166041261-A-C. GRCh37 (hg19) VCF-style: chr2-166897771-A-C.
Other names: c.2385T>G, p.His795Gln (NM_001353948.2, NM_001202435.3); c.2352T>G, p.His784Gln (NM_001353949.2, NM_001353950.2, NM_001353951.2 and 2 more transcripts); c.2349T>G, p.His783Gln (NM_001353954.2, NM_001353955.2); c.2301T>G, p.His767Gln (NM_001353957.2, NM_001353958.2, NM_001165964.3); c.2298T>G, p.His766Gln (NM_001353960.2); c.-74T>G (NM_001353961.2); c.2385T>G (NM_001165963.1); short protein forms H766Q, H767Q, H783Q, H784Q, H795Q.
Identifiers: ClinVar variation 1022516 (VCV001022516.9), dbSNP rs1334303970, ClinGen allele CA349063834.

ClinVar aggregate classification (germline): Uncertain significance. Review status: criteria provided, multiple submitters, no conflicts (2 of 4 stars). 2 submissions from 2 submitters: Uncertain significance (2). Last evaluated 2025-08-09.

Conditions:
Early-infantile DEE. Also called: Ohtahara syndrome; Early infantile epileptic encephalopathy; Early infantile epileptic encephalopathy with suppression bursts. Identifiers: Orphanet 1934, MedGen C0393706, MONDO:0800491.

Allele frequency attached by ClinVar (database versions not stated): gnomAD exomes 0.00001.
gnomAD v4.1: 3 of 1,613,550 alleles (0.00019%); highest among the groups gnomAD compares: Admixed American, 0.005%; no homozygotes.

Submissions (2):

GeneDx
Classification: Uncertain significance. Last evaluated: 2025-08-09. Review status: criteria provided, single submitter. Criteria: GeneDx Variant Classification Process June 2021. Collection method: clinical testing. Allele origin: germline. Affected: yes.
Comment: Not observed at significant frequency in large population cohorts (gnomAD); In silico analysis suggests that this missense variant does not alter protein structure/function; Has not been previously published as pathogenic or benign to our knowledge; This substitution is predicted to be within the extracellular loop between the S1 and S2 transmembrane segments of the second homologous domain

Labcorp Genetics (formerly Invitae), Labcorp
Classification: Uncertain significance for Early-infantile DEE. Last evaluated: 2025-02-19. Review status: criteria provided, single submitter. Criteria: Invitae Variant Classification Sherloc (09022015). Collection method: clinical testing. Allele origin: germline.
Comment: This sequence change replaces histidine, which is basic and polar, with glutamine, which is neutral and polar, at codon 795 of the SCN1A protein (p.His795Gln). This variant is not present in population databases (gnomAD no frequency). This variant has not been reported in the literature in individuals affected with SCN1A-related conditions. ClinVar contains an entry for this variant (Variation ID: 1022516). Invitae Evidence Modeling of protein sequence and biophysical properties (such as structural, functional, and spatial information, amino acid conservation, physicochemical variation, residue mobility, and thermodynamic stability) indicates that this missense variant is not expected to disrupt SCN1A protein function with a negative predictive value of 95%. In summary, the available evidence is currently insufficient to determine the role of this variant in disease. Therefore, it has been classified as a Variant of Uncertain Significance.